The following is an entry in ClinVar:

ClinVar aggregate classification (germline): Conflicting classifications of pathogenicity. Review status: criteria provided, conflicting classifications (1 of 4 stars). 7 submissions from 7 submitters: Uncertain significance (4); Likely benign (2). 1 of the submissions does not count toward it. Last evaluated 2025-11-04.

Conditions:
Hereditary cancer-predisposing syndrome. Also called: Neoplastic Syndromes, Hereditary; Hereditary neoplastic syndrome; Tumor predisposition; Hereditary Cancer Syndrome. Identifiers: Orphanet 140162, MedGen C0027672, MeSH D009386, MONDO:0015356.
Hereditary breast ovarian cancer syndrome. Also called: Hereditary breast and ovarian cancer syndrome (HBOC); BRCA1- and BRCA2-Associated Hereditary Breast and Ovarian Cancer; Hereditary breast and/or ovarian cancer syndrome; Hereditary breast and ovarian cancer syndrome; Hereditary breast and ovarian cancer; Breast and ovarian cancer. Identifiers: Orphanet 145, MedGen C0677776, MeSH D061325, MONDO:0003582. Disease mechanism: loss of function.
Breast-ovarian cancer, familial, susceptibility to, 1 (BROVCA1). Also called: BRCA1 Hereditary Breast and Ovarian Cancer; OVARIAN CANCER, SUSCEPTIBILITY TO. Identifiers: Orphanet 145, MedGen C2676676, MONDO:0011450, OMIM 604370. Disease mechanism: loss of function.

Submissions (7):

Women's Health and Genetics/Laboratory Corporation of America, LabCorp
Classification: Uncertain significance. Last evaluated: 2025-11-04. Review status: criteria provided, single submitter. Criteria: LabCorp Variant Classification Summary - May 2015. Collection method: clinical testing. Allele origin: germline.
Comment: Variant summary: BRCA1 c.767G>A (p.Arg256Lys) results in a conservative amino acid change in the encoded protein sequence. Algorithms developed to predict the effect of missense changes on protein structure and function are either unavailable or do not agree on the potential impact of this missense change. The variant was absent in 249556 control chromosomes. The available data on variant occurrences in the general population are insufficient to allow any conclusion about variant significance. c.767G>A has been observed in the presumed heterozygous state in at least 1 individual(s) in a cohort undergoing testing for BRCA1/BRCA2-related conditions (Zuntini_2018), without strong evidence for causality. These report(s) do not provide unequivocal conclusions about association of the variant with Hereditary Breast And Ovarian Cancer Syndrome. To our knowledge, no experimental evidence demonstrating an impact on protein function has been reported. The following publications have been ascertained in the context of this evaluation (PMID: 27167707, 30254663, 34413315, 35150867, 38160042). ClinVar contains an entry for this variant (Variation ID: 462688). Based on the evidence outlined above, the variant was classified as uncertain significance.

Labcorp Genetics (formerly Invitae), Labcorp
Classification: Uncertain significance for Hereditary breast ovarian cancer syndrome. Last evaluated: 2025-06-01. Review status: criteria provided, single submitter. Criteria: Invitae Variant Classification Sherloc (09022015). Collection method: clinical testing. Allele origin: germline.
Comment: This sequence change replaces arginine, which is basic and polar, with lysine, which is basic and polar, at codon 256 of the BRCA1 protein (p.Arg256Lys). This variant is not present in population databases (gnomAD no frequency). This missense change has been observed in individual(s) with clinical features of hereditary breast and ovarian cancer syndrome (PMID: 30254663). ClinVar contains an entry for this variant (Variation ID: 462688). Invitae Evidence Modeling of protein sequence and biophysical properties (such as structural, functional, and spatial information, amino acid conservation, physicochemical variation, residue mobility, and thermodynamic stability) indicates that this missense variant is not expected to disrupt BRCA1 protein function with a negative predictive value of 80%. In summary, the available evidence is currently insufficient to determine the role of this variant in disease. Therefore, it has been classified as a Variant of Uncertain Significance.

University of Washington Department of Laboratory Medicine, University of Washington
Classification: Likely benign for Hereditary cancer-predisposing syndrome. Last evaluated: 2023-03-23. Review status: criteria provided, single submitter. Criteria: Dines et al. (Genet Med. 2020). Collection method: curation. Allele origin: germline.
Comment: Missense variant in a coldspot region where missense variants are very unlikely to be pathogenic (PMID:31911673).

BRCA1 coldspot (exon 11 using historical exon numbering). Reclassification based on statistical prior probability

Quest Diagnostics Nichols Institute San Juan Capistrano
Classification: Uncertain significance. Last evaluated: 2023-01-09. Review status: criteria provided, single submitter. Criteria: Quest Diagnostics criteria. Collection method: clinical testing. Allele origin: unknown.
Comment: To the best of our knowledge, the variant has not been reported in the published literature. It also has not been reported in large, multi-ethnic general populations. Analysis of this variant using bioinformatics tools for the prediction of the effect of amino acid changes on protein structure and function yielded predictions that this variant is benign. Based on the available information, we are unable to determine the clinical significance of this variant.

Ambry Genetics
Classification: Likely benign for Hereditary cancer-predisposing syndrome. Last evaluated: 2022-04-04. Review status: criteria provided, single submitter. Criteria: Ambry Variant Classification Scheme 2023. Collection method: clinical testing. Allele origin: germline.

GeneDx
Classification: Uncertain significance. Last evaluated: 2022-03-30. Review status: criteria provided, single submitter. Criteria: GeneDx Variant Classification Process June 2021. Collection method: clinical testing. Allele origin: germline. Affected: yes.
Comment: Not observed at significant frequency in large population cohorts (gnomAD); In silico analysis supports that this missense variant does not alter protein structure/function; Has not been previously published as pathogenic or benign to our knowledge; Also known as 886G>A; This variant is associated with the following publications: (PMID: 20215511, 9582019, 9926942, 9788437)

Department of Medical and Surgical Sciences, University of Bologna
Classification: Likely benign for Breast-ovarian cancer, familial, susceptibility to, 1. Last evaluated: 2023-09-01. Review status: no assertion criteria provided. Collection method: clinical testing. Allele origin: germline. Affected: yes. Not counted in ClinVar's aggregate classification.
Comment: PM2(Supporting)+BP1(Strong) according to ACMG/AMP classification guidelines specified for BRCA1 & BRCA2 (Classification Criteria V1.0.0 2023-09-08) (PMID: 38160042)

Literature cited by the submitters: PubMed 30254663 (cited by Women's Health and Genetics/Laboratory Corporation of America, LabCorp and Labcorp Genetics (formerly Invitae), Labcorp); PubMed 35150867 (cited by Women's Health and Genetics/Laboratory Corporation of America, LabCorp); PubMed 34413315 (cited by Women's Health and Genetics/Laboratory Corporation of America, LabCorp); PubMed 38160042 (cited by Women's Health and Genetics/Laboratory Corporation of America, LabCorp); PubMed 27167707 (cited by Women's Health and Genetics/Laboratory Corporation of America, LabCorp).

NM_007294.4(BRCA1):c.767G>A (p.Arg256Lys)

Gene: BRCA1 (BRCA1 DNA repair associated; minus strand). Cytogenetic location: 17q21.31.
Variant type: single nucleotide variant.
Coding change: c.767G>A on transcript NM_007294.4 (MANE Select); coding-DNA position 767, G replaced by A.
Protein change: p.Arg256Lys; replaces arginine 256 with lysine.
Molecular consequence: missense variant. On other transcripts: non-coding transcript variant (1).
Genome position (GRCh38, 1-based): chr17:43,094,764, C>T on the plus strand (G>A on the coding strand, the complement: BRCA1 is on the minus strand). VCF-style: chr17-43094764-C-T. GRCh37 (hg19) VCF-style: chr17-41246781-C-T.
Other names: c.503G>A, p.Arg168Lys (NM_001408501.1, NM_001407920.1, NM_001407921.1 and 15 more transcripts); c.434G>A, p.Arg145Lys (NM_001408502.1, NM_001407946.1, NM_001407947.1 and 7 more transcripts); c.500G>A, p.Arg167Lys (NM_001408503.1, NM_001408504.1, NM_001408505.1 and 5 more transcripts); c.431G>A, p.Arg144Lys (NM_001408508.1, NM_001408509.1, NM_001407954.1 and 3 more transcripts); c.386G>A, p.Arg129Lys (NM_001408510.1, NM_001407959.1, NM_001407960.1 and 1 more transcripts); c.263G>A, p.Arg88Lys (NM_001408512.1, NM_001407965.1); c.557G>A, p.Arg186Lys (NM_001408513.1, NM_001408514.1, NM_001407879.1 and 25 more transcripts); c.626G>A, p.Arg209Lys (NM_007297.4, NM_001407692.1, NM_001407694.1 and 43 more transcripts); and 14 more; short protein forms R256K, R209K, R185K, R189K, R208K, R215K, R255K, R144K.
Identifiers: ClinVar variation 462688 (VCV000462688.18), dbSNP rs11658785, ClinGen allele CA10600551.